The following is an entry in ClinVar:

ClinVar aggregate classification (germline): Uncertain significance. Review status: criteria provided, multiple submitters, no conflicts (2 of 4 stars). 4 submissions from 4 submitters: Uncertain significance (4). Last evaluated 2025-10-15.

Conditions:
Endometrial carcinoma. Also called: Endometrial carcinoma, somatic. Identifiers: MedGen C0476089, MONDO:0002447, OMIM 608089, HP:0012114.
Hereditary cancer-predisposing syndrome. Also called: Tumor predisposition; Hereditary Cancer Syndrome; Neoplastic Syndromes, Hereditary; Hereditary neoplastic syndrome. Identifiers: Orphanet 140162, MedGen C0027672, MeSH D009386, MONDO:0015356.

Allele frequency attached by ClinVar (database versions not stated): TOPMed below 0.00001; gnomAD 0.00001.
gnomAD v4.1: 18 of 1,613,858 alleles (0.0011%); highest among the groups gnomAD compares: Non-Finnish European, 0.0015%; no homozygotes.

Submissions (4):

Labcorp Genetics (formerly Invitae), Labcorp
Classification: Uncertain significance. Last evaluated: 2025-10-15. Review status: criteria provided, single submitter. Criteria: Invitae Variant Classification Sherloc (09022015). Collection method: clinical testing. Allele origin: germline.
Comment: This sequence change replaces isoleucine, which is neutral and non-polar, with threonine, which is neutral and polar, at codon 1082 of the MSH3 protein (p.Ile1082Thr). This variant is present in population databases (rs752719913, gnomAD 0.004%). This variant has not been reported in the literature in individuals affected with MSH3-related conditions. ClinVar contains an entry for this variant (Variation ID: 823290). An algorithm developed to predict the effect of missense changes on protein structure and function (PolyPhen-2) suggests that this variant is likely to be disruptive. In summary, the available evidence is currently insufficient to determine the role of this variant in disease. Therefore, it has been classified as a Variant of Uncertain Significance.

Ambry Genetics
Classification: Uncertain significance for Hereditary cancer-predisposing syndrome. Last evaluated: 2024-03-29. Review status: criteria provided, single submitter. Criteria: Ambry Variant Classification Scheme 2023. Collection method: clinical testing. Allele origin: germline.
Comment: The p.I1082T variant (also known as c.3245T>C), located in coding exon 23 of the MSH3 gene, results from a T to C substitution at nucleotide position 3245. The isoleucine at codon 1082 is replaced by threonine, an amino acid with similar properties. This amino acid position is well conserved in available vertebrate species. In addition, this alteration is predicted to be deleterious by in silico analysis. Since supporting evidence is limited at this time, the clinical significance of this alteration remains unclear.

Baylor Genetics
Classification: Uncertain significance for Endometrial carcinoma. Last evaluated: 2023-11-08. Review status: criteria provided, single submitter. Criteria: ACMG Guidelines, 2015. Collection method: clinical testing. Allele origin: unknown.

Institute for Clinical Genetics, University Hospital TU Dresden, University Hospital TU Dresden
Classification: Uncertain significance. Last evaluated: 2021-11-03. Review status: criteria provided, single submitter. Criteria: ACMG Guidelines, 2015. Collection method: clinical testing. Allele origin: germline.

NM_002439.5(MSH3):c.3245T>C (p.Ile1082Thr)

Gene: MSH3 (mutS homolog 3; plus strand). Cytogenetic location: 5q14.1.
Variant type: single nucleotide variant.
Coding change: c.3245T>C on transcript NM_002439.5 (MANE Select); coding-DNA position 3245, T replaced by C.
Protein change: p.Ile1082Thr; replaces isoleucine 1082 with threonine.
Molecular consequence: missense variant.
Genome position (GRCh38, 1-based): chr5:80,873,230, T>C. VCF-style: chr5-80873230-T-C. GRCh37 (hg19) VCF-style: chr5-80169049-T-C.
Other names: short protein forms I1082T.
Identifiers: ClinVar variation 823290 (VCV000823290.16), dbSNP rs752719913, ClinGen allele CA3328491.